The following is an entry in ClinVar:

ClinVar aggregate classification (germline): Uncertain significance. Review status: criteria provided, multiple submitters, no conflicts (2 of 4 stars). 4 submissions from 4 submitters: Uncertain significance (3). 1 of the submissions does not count toward it. Last evaluated 2024-05-03.

Conditions:
Fanconi-Bickel syndrome (FBS). Also called: FANCONI SYNDROME WITH INTESTINAL MALABSORPTION AND GALACTOSE INTOLERANCE; HEPATIC GLYCOGENOSIS WITH AMINO ACIDURIA AND GLUCOSURIA; HEPATIC GLYCOGENOSIS WITH FANCONI NEPHROPATHY; HEPATORENAL GLYCOGENOSIS WITH RENAL FANCONI SYNDROME; PSEUDO-PHLORIZIN DIABETES; Glycogen storage disease due to GLUT2 deficiency. Identifiers: Orphanet 2088, MedGen C3495427, MONDO:0009216, OMIM 227810.
SLC2A2-related disorder. Also called: SLC2A2-related condition.
Type 2 diabetes mellitus. Also called: Type II diabetes mellitus. Identifiers: MedGen C0011860, MeSH D003924, MONDO:0005148, OMIM 125853, HP:0005978.

Allele frequency attached by ClinVar (database versions not stated): gnomAD below 0.00001 and 0.00001; gnomAD exomes below 0.00001; TOPMed 0.00001.

Submissions (4):

Fulgent Genetics
Classification: Uncertain significance for Type 2 diabetes mellitus; Fanconi-Bickel syndrome. Last evaluated: 2024-05-03. Review status: criteria provided, single submitter. Criteria: ACMG Guidelines, 2015. Collection method: clinical testing. Allele origin: germline.

Labcorp Genetics (formerly Invitae), Labcorp
Classification: Uncertain significance for Fanconi-Bickel syndrome. Last evaluated: 2022-03-22. Review status: criteria provided, single submitter. Criteria: Invitae Variant Classification Sherloc (09022015). Collection method: clinical testing. Allele origin: germline.
Comment: ClinVar contains an entry for this variant (Variation ID: 902647). In summary, the available evidence is currently insufficient to determine the role of this variant in disease. Therefore, it has been classified as a Variant of Uncertain Significance. Advanced modeling of protein sequence and biophysical properties (such as structural, functional, and spatial information, amino acid conservation, physicochemical variation, residue mobility, and thermodynamic stability) performed at Invitae indicates that this missense variant is expected to disrupt SLC2A2 protein function. This variant has not been reported in the literature in individuals affected with SLC2A2-related conditions. This variant is present in population databases (no rsID available, gnomAD 0.006%). This sequence change replaces methionine, which is neutral and non-polar, with threonine, which is neutral and polar, at codon 174 of the SLC2A2 protein (p.Met174Thr).

Illumina Laboratory Services, Illumina
Classification: Uncertain significance for Fanconi-Bickel syndrome. Last evaluated: 2018-01-13. Review status: criteria provided, single submitter. Criteria: ICSL Variant Classification Criteria 13 December 2019. Collection method: clinical testing. Allele origin: germline.

PreventionGenetics, part of Exact Sciences
Classification: Uncertain significance for SLC2A2-related condition. Last evaluated: 2024-05-28. Review status: no assertion criteria provided. Collection method: clinical testing. Allele origin: germline. Not counted in ClinVar's aggregate classification.
Comment: The SLC2A2 c.2T>C variant is predicted to disrupt the translation initiation site (Start loss). This variant is predicted to disrupt the translation initiation site (start loss) in a non-canonical transcript (NM_00127859.1). In the canonical transcript (NM_000340.2), this variant results in a missense change (c.521T>C, p.Met174Thr). To our knowledge, this variant has not been previously reported in association with disease. This variant is reported in 0.0055% of alleles in individuals of East Asian descent in gnomAD. At this time, the clinical significance of this variant is uncertain due to the absence of conclusive functional and genetic evidence.

NM_000340.2(SLC2A2):c.521T>C (p.Met174Thr)

Gene: SLC2A2 (solute carrier family 2 member 2; minus strand). Cytogenetic location: 3q26.2.
Variant type: single nucleotide variant.
Coding change: c.521T>C on transcript NM_000340.2 (MANE Select); coding-DNA position 521, T replaced by C.
Protein change: p.Met174Thr; replaces methionine 174 with threonine.
Molecular consequence: missense variant. On other transcripts: initiator codon variant (1).
Genome position (GRCh38, 1-based): chr3:171,007,239, A>G on the plus strand (T>C on the coding strand, the complement: SLC2A2 is on the minus strand). VCF-style: chr3-171007239-A-G. GRCh37 (hg19) VCF-style: chr3-170725028-A-G.
Other names: c.164T>C, p.Met55Thr (NM_001278658.2); c.2T>C, p.Met1Thr (NM_001278659.2); c.2T>C (NM_001278659.1); short protein forms M174T, M55T, M1T.
Identifiers: ClinVar variation 902647 (VCV000902647.12), dbSNP rs1293130515, ClinGen allele CA355490695.
Genomic context (GRCh38, chr3:171,007,239, plus strand): 5'-AGCTGATGAAAAGTGCCAAGTGCTCCCCTGAGAGCGGTTGGAGCAATTTCACCGATATAC[A>G]TAGGAACCAGGCCTGAAATTAGCCCTGCATGAAACATAAACATAAATGTTAAAGTGCAAC-3'
Protein context (NP_000331.1, residues 164-184): YCGLISGLVP[Met174Thr]YIGEIAPTAL